The following is an entry in ClinVar:

ClinVar aggregate classification (germline): Pathogenic/Likely pathogenic. Review status: criteria provided, multiple submitters, no conflicts (2 of 4 stars). 2 submissions from 2 submitters: Pathogenic (1); Likely pathogenic (1). Last evaluated 2025-11-20.

Conditions:
Generalized epilepsy with febrile seizures plus, type 2 (GEFSP2). Also called: GEFS+, TYPE 2. Identifiers: Orphanet 36387, MedGen C1858673, MONDO:0011461, OMIM 604403.
Early-infantile DEE. Also called: Ohtahara syndrome; Early infantile epileptic encephalopathy; Early infantile epileptic encephalopathy with suppression bursts. Identifiers: Orphanet 1934, MedGen C0393706, MONDO:0800491.

Submissions (2):

Diagnostics Services (NGS), CSIR - Centre For Cellular And Molecular Biology
Classification: Likely pathogenic for Generalized epilepsy with febrile seizures plus, type 2. Last evaluated: 2025-11-20. Review status: criteria provided, single submitter. Criteria: ACMG Guidelines, 2015. Collection method: clinical testing. Allele origin: germline. Affected: yes. Observed: 1 variant allele, 1 heterozygote.
Comment: The c.2351dup variant is not present in publicly available population databases like 1000 Genomes, EVS, gnomAD, Indian Exome Database or our internal database. This variant has neither been published in literature nor reported to clinical databases like Human Genome Mutation Database (HGMD), ClinVar, or OMIM, in any affected individuals. In-silico pathogenicity prediction programs like MutationTaster2021, CADD, Franklin, Varsome, etc, predicted this variant to be likely deleterious. This variant causes a frameshift at the 785th amino acid position of the wild-type transcript, which creates a premature translational stop signal at the altered transcript, that may either result in translation of a truncated protein or cause nonsense-mediated decay of the mRNA.

Labcorp Genetics (formerly Invitae), Labcorp
Classification: Pathogenic for Early-infantile DEE. Last evaluated: 2025-05-27. Review status: criteria provided, single submitter. Criteria: Invitae Variant Classification Sherloc (09022015). Collection method: clinical testing. Allele origin: germline.
Comment: This sequence change creates a premature translational stop signal (p.Met785Hisfs*14) in the SCN1A gene. It is expected to result in an absent or disrupted protein product. Loss-of-function variants in SCN1A are known to be pathogenic (PMID: 17347258, 18930999). This variant is not present in population databases (gnomAD no frequency). This variant has not been reported in the literature in individuals affected with SCN1A-related conditions. Algorithms developed to predict the effect of sequence changes on RNA splicing suggest that this variant may disrupt the consensus splice site. For these reasons, this variant has been classified as Pathogenic.

Literature cited by the submitters: PubMed 17347258 (cited by Labcorp Genetics (formerly Invitae), Labcorp); PubMed 18930999 (cited by Labcorp Genetics (formerly Invitae), Labcorp).

NM_001165963.4(SCN1A):c.2351dup (p.Met785fs)

Gene: SCN1A (sodium voltage-gated channel alpha subunit 1; minus strand). Cytogenetic location: 2q24.3.
Variant type: Duplication.
Coding change: c.2351dup on transcript NM_001165963.4 (MANE Select); coding-DNA position 2351, one base duplicated (T; older notation c.2351dupT).
Protein change: p.Met785fs; shifts the reading frame from methionine 785.
Molecular consequence: frameshift variant. On other transcripts: 5 prime UTR variant (1), non-coding transcript variant (1).
Genome position (GRCh38, 1-based): chr2:166,041,295, A duplicated on the plus strand (T on the coding strand, the reverse complement: SCN1A is on the minus strand); the first of 4 consecutive A bases (chr2:166,041,295-166,041,298); duplicating any one gives the same sequence. VCF-style (leftmost placement, unchanged base first): chr2-166041294-G-GA. GRCh37 (hg19) VCF-style: chr2-166897804-G-GA.
Other names: c.2267dup, p.Met757fs (NM_001165964.3, NM_001353957.2, NM_001353958.2); c.2351dup, p.Met785fs (NM_001202435.3, NM_001353948.2); c.2318dup, p.Met774fs (NM_001353949.2, NM_001353950.2, NM_001353951.2 and 2 more transcripts); c.2315dup, p.Met773fs (NM_001353954.2, NM_001353955.2); c.2264dup, p.Met756fs (NM_001353960.2); c.-108dup (NM_001353961.2); short protein forms M756fs, M757fs, M773fs, M774fs, M785fs.
Identifiers: ClinVar variation 4533282 (VCV004533282.2).